The following is an entry in ClinVar:

NM_001365088.1(SLC12A6):c.906T>C (p.Phe302=)

Gene: SLC12A6 (solute carrier family 12 member 6; minus strand). Cytogenetic location: 15q14.
Variant type: single nucleotide variant.
Coding change: c.906T>C on transcript NM_001365088.1 (MANE Select); coding-DNA position 906, T replaced by C.
Protein change: p.Phe302=; no amino-acid change (phenylalanine 302 retained).
Molecular consequence: synonymous variant.
Genome position (GRCh38, 1-based): chr15:34,254,560, A>G on the plus strand (T>C on the coding strand, the complement: SLC12A6 is on the minus strand). VCF-style: chr15-34254560-A-G. GRCh37 (hg19) VCF-style: chr15-34546761-A-G.
Other names: c.729T>C, p.Phe243= (NM_001042494.2, NM_001042495.2); c.879T>C, p.Phe293= (NM_001042496.2); c.861T>C, p.Phe287= (NM_001042497.2); c.753T>C, p.Phe251= (NM_005135.2); c.906T>C, p.Phe302= (NM_133647.2).
Identifiers: ClinVar variation 2645148 (VCV002645148.24), dbSNP rs2509817544, ClinGen allele CA489653123.

ClinVar aggregate classification (germline): Likely benign (1 of 4 stars; one submission).

Submission:

CeGaT Center for Human Genetics Tuebingen
Classification: Likely benign. Last evaluated: 2022-08-01. Review status: criteria provided, single submitter. Criteria: CeGaT Center For Human Genetics Tuebingen Variant Classification Criteria Version 2. Collection method: clinical testing. Allele origin: germline. Affected: yes. Observed: 1 variant allele.
Comment: SLC12A6: PM2:Supporting, BP4, BP7